The following is an entry in ClinVar:

ClinVar aggregate classification (germline): Uncertain significance (1 of 4 stars; one submission).

Allele frequency attached by ClinVar (database versions not stated): gnomAD exomes below 0.00001 and 0.00001; ExAC 0.00002.
gnomAD v4.1: 2 of 1,612,194 alleles (0.00012%); highest among the groups gnomAD compares: Non-Finnish European, 0.00017%; no homozygotes.

Submission:

Labcorp Genetics (formerly Invitae), Labcorp
Classification: Uncertain significance. Last evaluated: 2022-09-27. Review status: criteria provided, single submitter. Criteria: Invitae Variant Classification Sherloc (09022015). Collection method: clinical testing. Allele origin: germline.
Comment: Algorithms developed to predict the effect of missense changes on protein structure and function output the following: SIFT: "Deleterious"; PolyPhen-2: "Benign"; Align-GVGD: "Class C45". The serine amino acid residue is found in multiple mammalian species, which suggests that this missense change does not adversely affect protein function. In summary, the available evidence is currently insufficient to determine the role of this variant in disease. Therefore, it has been classified as a Variant of Uncertain Significance. ClinVar contains an entry for this variant (Variation ID: 1519103). This sequence change replaces asparagine, which is neutral and polar, with serine, which is neutral and polar, at codon 211 of the ASRGL1 protein (p.Asn211Ser). This variant is present in population databases (rs777095330, gnomAD 0.002%). This variant has not been reported in the literature in individuals affected with ASRGL1-related conditions.

NM_001083926.2(ASRGL1):c.632A>G (p.Asn211Ser)

Gene: ASRGL1 (asparaginase and isoaspartyl peptidase 1; plus strand). Cytogenetic location: 11q12.3.
Variant type: single nucleotide variant.
Coding change: c.632A>G on transcript NM_001083926.2 (MANE Select); coding-DNA position 632, A replaced by G.
Protein change: p.Asn211Ser; replaces asparagine 211 with serine.
Molecular consequence: missense variant.
Genome position (GRCh38, 1-based): chr11:62,391,543, A>G. VCF-style: chr11-62391543-A-G. GRCh37 (hg19) VCF-style: chr11-62159015-A-G.
Other names: c.632A>G, p.Asn211Ser (NM_025080.4); short protein forms N211S.
Identifiers: ClinVar variation 1519103 (VCV001519103.8), dbSNP rs777095330, ClinGen allele CA6043297.